The following is an entry in ClinVar:

NM_007194.4(CHEK2):c.764A>G (p.Lys255Arg)

Gene: CHEK2 (checkpoint kinase 2; minus strand). Cytogenetic location: 22q12.1.
Variant type: single nucleotide variant.
Coding change: c.764A>G on transcript NM_007194.4 (MANE Select); coding-DNA position 764, A replaced by G.
Protein change: p.Lys255Arg; replaces lysine 255 with arginine.
Molecular consequence: missense variant.
Genome position (GRCh38, 1-based): chr22:28,711,937, T>C on the plus strand (A>G on the coding strand, the complement: CHEK2 is on the minus strand). VCF-style: chr22-28711937-T-C. GRCh37 (hg19) VCF-style: chr22-29107925-T-C.
Other names: c.893A>G, p.Lys298Arg (NM_001005735.3); c.101A>G, p.Lys34Arg (NM_001257387.3); c.563A>G, p.Lys188Arg (NM_001349956.3); c.764A>G, p.Lys255Arg (NM_145862.3); short protein forms K255R, K298R, K188R, K34R.
Identifiers: ClinVar variation 1393701 (VCV001393701.9), dbSNP rs2145949631, ClinGen allele CA411103145.

ClinVar aggregate classification (germline): Uncertain significance (1 of 4 stars; one submission).

Conditions:
Familial cancer of breast. Also called: hereditary breast carcinoma; BREAST CANCER, FAMILIAL; Hereditary breast cancer. Identifiers: Orphanet 227535, MedGen C0346153, MONDO:0016419, OMIM 114480. Disease mechanism: loss of function.

Submission:

Labcorp Genetics (formerly Invitae), Labcorp
Classification: Uncertain significance for Familial cancer of breast. Last evaluated: 2021-05-07. Review status: criteria provided, single submitter. Criteria: Invitae Variant Classification Sherloc (09022015). Collection method: clinical testing. Allele origin: germline.
Comment: In summary, the available evidence is currently insufficient to determine the role of this variant in disease. Therefore, it has been classified as a Variant of Uncertain Significance. Algorithms developed to predict the effect of missense changes on protein structure and function output the following: SIFT: "Tolerated"; PolyPhen-2: "Benign"; Align-GVGD: "Class C0". The arginine amino acid residue is found in multiple mammalian species, suggesting that this missense change does not adversely affect protein function. These predictions have not been confirmed by published functional studies and their clinical significance is uncertain. This variant has not been reported in the literature in individuals with CHEK2-related conditions. This variant is not present in population databases (ExAC no frequency). This sequence change replaces lysine with arginine at codon 255 of the CHEK2 protein (p.Lys255Arg). The lysine residue is moderately conserved and there is a small physicochemical difference between lysine and arginine.